The following is an entry in ClinVar:

NM_022117.4(TSPYL2):c.1384T>C (p.Phe462Leu)

Gene: TSPYL2 (TSPY like 2; plus strand). Cytogenetic location: Xp11.22.
Variant type: single nucleotide variant.
Coding change: c.1384T>C on transcript NM_022117.4 (MANE Select); coding-DNA position 1384, T replaced by C.
Protein change: p.Phe462Leu; replaces phenylalanine 462 with leucine.
Molecular consequence: missense variant.
Genome position (GRCh38, 1-based): chrX:53,085,776, T>C. VCF-style: chrX-53085776-T-C. GRCh37 (hg19) VCF-style: chrX-53114958-T-C.
Other names: c.1384T>C (NM_022117.3); short protein forms F462L.
Identifiers: ClinVar variation 2660580 (VCV002660580.24), dbSNP rs985376172, ClinGen allele CA329170826.
Genomic context (GRCh38, chrX:53,085,776, plus strand): 5'-GACATTGATGAGACAATTCATGACATCAAGATCTCTGACTTCATGGAGACCACCGACTAC[T>C]TCGAGACCACTGACAATGAGATAACTGACATCAATGAGAACATCTGCGACAGCGAGAATC-3'
Protein context (NP_071400.1, residues 452-472): ISDFMETTDY[Phe462Leu]ETTDNEITDI

ClinVar aggregate classification (germline): Uncertain significance. Review status: criteria provided, multiple submitters, no conflicts (2 of 4 stars). 2 submissions from 2 submitters: Uncertain significance (2). Last evaluated 2025-04-20.

Allele frequency attached by ClinVar (database versions not stated): TOPMed below 0.00001; gnomAD exomes 0.00005.
gnomAD v4.1: 32 of 1,211,509 alleles (0.0026%); highest among the groups gnomAD compares: Non-Finnish European, 0.0036%; no homozygotes.

Submissions (2):

Ambry Genetics
Classification: Uncertain significance. Last evaluated: 2025-04-20. Review status: criteria provided, single submitter. Criteria: Ambry Variant Classification Scheme 2023. Collection method: clinical testing. Allele origin: germline.

CeGaT Center for Human Genetics Tuebingen
Classification: Uncertain significance. Last evaluated: 2023-08-01. Review status: criteria provided, single submitter. Criteria: CeGaT Center For Human Genetics Tuebingen Variant Classification Criteria Version 2. Collection method: clinical testing. Allele origin: germline. Affected: yes. Observed: 1 variant allele.
Comment: TSPYL2: PM2